The following is an entry in ClinVar:

ClinVar aggregate classification (germline): Likely benign. Review status: criteria provided, multiple submitters, no conflicts (2 of 4 stars). 2 submissions from 2 submitters: Likely benign (2). Last evaluated 2025-11-01.

gnomAD v4.1: 25 of 1,613,898 alleles (0.0015%); highest among the groups gnomAD compares: Middle Eastern, 0.016%; no homozygotes.

Submissions (2):

CeGaT Center for Human Genetics Tuebingen
Classification: Likely benign. Last evaluated: 2025-11-01. Review status: criteria provided, single submitter. Criteria: CeGaT Center For Human Genetics Tuebingen Variant Classification Criteria Version 2. Collection method: clinical testing. Allele origin: germline. Affected: yes. Observed: 1 variant allele.
Comment: AGPAT5: BP4, BP7

Ambry Genetics
Classification: Likely benign. Last evaluated: 2025-09-28. Review status: criteria provided, single submitter. Criteria: Ambry Variant Classification Scheme 2023. Collection method: clinical testing. Allele origin: germline.

NM_018361.5(AGPAT5):c.636C>T (p.His212=)

Gene: AGPAT5 (1-acylglycerol-3-phosphate O-acyltransferase 5; plus strand). Cytogenetic location: 8p23.1.
Variant type: single nucleotide variant.
Coding change: c.636C>T on transcript NM_018361.5 (MANE Select); coding-DNA position 636, C replaced by T.
Protein change: p.His212=; no amino-acid change (histidine 212 retained).
Molecular consequence: synonymous variant.
Genome position (GRCh38, 1-based): chr8:6,747,719, C>T. VCF-style: chr8-6747719-C-T. GRCh37 (hg19) VCF-style: chr8-6605240-C-T.
Other names: c.636C>T (NM_018361.3).
Identifiers: ClinVar variation 4533632 (VCV004533632.6).
Genomic context (GRCh38, chr8:6,747,719, plus strand): 5'-TTGACTTCTAGGCCTTGCAGTATTAAAACATGTGCTAACACCACGAATAAAGGCAACTCA[C>T]GTTGCTTTTGATTGCATGAAGAATTATTTAGATGCAATTTATGATGTTACGGTGGTTTAT-3'
Protein context (NP_060831.2, residues 202-222): HVLTPRIKAT[His212=]VAFDCMKNYL